The following is an entry in ClinVar:

NM_198253.3(TERT):c.1769+4_1769+5del

Gene: TERT (telomerase reverse transcriptase; minus strand). Cytogenetic location: 5p15.33.
Variant type: Deletion.
Coding change: c.1769+4_1769+5del on transcript NM_198253.3 (MANE Select); bases 4 to 5 of the intron after coding-DNA position 1769, 2 bases deleted (CT; older notation c.1769+4_1769+5delCT).
Molecular consequence: intron variant.
Genome position (GRCh38, 1-based): chr5:1,282,424-1,282,425, AG deleted on the plus strand (CT on the coding strand, the reverse complement: TERT is on the minus strand). VCF-style (leftmost placement, unchanged base first): chr5-1282423-CAG-C. GRCh37 (hg19) VCF-style: chr5-1282538-CAG-C.
Other names: c.1769+4_1769+5del (NM_001193376.3).
Identifiers: ClinVar variation 4785394 (VCV004785394.1).

ClinVar aggregate classification (germline): Uncertain significance (1 of 4 stars; one submission).

Conditions:
Dyskeratosis congenita, autosomal dominant 2. Identifiers: MedGen C3151443, MONDO:0013521, OMIM 613989.
Idiopathic Pulmonary Fibrosis. Also called: Idiopathic fibrosing alveolitis, chronic form; idiopathic fibrosing alveolitis. Identifiers: Orphanet 2032, MedGen C1800706, MeSH D054990, MONDO:0800504.

Submission:

Labcorp Genetics (formerly Invitae), Labcorp
Classification: Uncertain significance for Dyskeratosis congenita, autosomal dominant 2; Idiopathic Pulmonary Fibrosis. Last evaluated: 2025-06-29. Review status: criteria provided, single submitter. Criteria: Invitae Variant Classification Sherloc (09022015). Collection method: clinical testing. Allele origin: germline.
Comment: This sequence change falls in intron 3 of the TERT gene. It does not directly change the encoded amino acid sequence of the TERT protein. It affects a nucleotide within the consensus splice site. This variant is not present in population databases (gnomAD no frequency). This variant has not been reported in the literature in individuals affected with TERT-related conditions. Variants that disrupt the consensus splice site are a relatively common cause of aberrant splicing (PMID: 17576681, 9536098). Algorithms developed to predict the effect of sequence changes on RNA splicing suggest that this variant is not likely to affect RNA splicing. In summary, the available evidence is currently insufficient to determine the role of this variant in disease. Therefore, it has been classified as a Variant of Uncertain Significance.

Literature cited by the submitters: PubMed 17576681; PubMed 9536098.